The following is an entry in ClinVar:

NM_005219.5(DIAPH1):c.154T>C (p.Phe52Leu)

Gene: DIAPH1 (diaphanous related formin 1; minus strand). Cytogenetic location: 5q31.3.
Variant type: single nucleotide variant.
Coding change: c.154T>C on transcript NM_005219.5 (MANE Select); coding-DNA position 154, T replaced by C.
Protein change: p.Phe52Leu; replaces phenylalanine 52 with leucine.
Molecular consequence: missense variant.
Genome position (GRCh38, 1-based): chr5:141,587,188, A>G on the plus strand (T>C on the coding strand, the complement: DIAPH1 is on the minus strand). VCF-style: chr5-141587188-A-G. GRCh37 (hg19) VCF-style: chr5-140966755-A-G.
Other names: c.127T>C, p.Phe43Leu (NM_001079812.3); c.154T>C, p.Phe52Leu (NM_001314007.2); short protein forms F52L, F43L.
Identifiers: ClinVar variation 1030894 (VCV001030894.1), dbSNP rs2099897674, ClinGen allele CA361546811.

ClinVar aggregate classification (germline): Uncertain significance (1 of 4 stars; one submission).

Conditions:
Autosomal dominant nonsyndromic hearing loss 1. Also called: DEAFNESS, AUTOSOMAL DOMINANT 1, WITH OR WITHOUT THROMBOCYTOPENIA; KONIGSMARK SYNDROME. Identifiers: Orphanet 90635, MedGen C1852282, MONDO:0007424, OMIM 124900.

Submission:

Baylor Genetics
Classification: Uncertain significance for Autosomal dominant nonsyndromic hearing loss 1. Last evaluated: 2020-06-08. Review status: criteria provided, single submitter. Criteria: ACMG Guidelines, 2015. Collection method: clinical testing. Allele origin: unknown. Affected: yes.
Comment: This variant was determined to be of uncertain significance according to ACMG Guidelines, 2015 [PMID:25741868].